The following is an entry in ClinVar:

NM_001606.5(ABCA2):c.7176G>A (p.Arg2392=)

Gene: ABCA2 (ATP binding cassette subfamily A member 2; minus strand). Cytogenetic location: 9q34.3.
Variant type: single nucleotide variant.
Coding change: c.7176G>A on transcript NM_001606.5 (MANE Select); coding-DNA position 7176, G replaced by A.
Protein change: p.Arg2392=; no amino-acid change (arginine 2392 retained).
Molecular consequence: synonymous variant.
Genome position (GRCh38, 1-based): chr9:137,008,515, C>T on the plus strand (G>A on the coding strand, the complement: ABCA2 is on the minus strand). VCF-style: chr9-137008515-C-T. GRCh37 (hg19) VCF-style: chr9-139902967-C-T.
Other names: c.7173G>A, p.Arg2391= (NM_001411042.1); c.7266G>A, p.Arg2422= (NM_212533.3).
Identifiers: ClinVar variation 3058416 (VCV003058416.2), dbSNP rs762879252, ClinGen allele CA467771978.

ClinVar aggregate classification (germline): Likely benign (0 of 4 stars; one submission).

Conditions:
ABCA2-related disorder. Also called: ABCA2-related condition.

gnomAD v4.1: 3 of 1,589,824 alleles (0.00019%); highest among the groups gnomAD compares: Non-Finnish European, 0.00026%; no homozygotes.

Submission:

PreventionGenetics, part of Exact Sciences
Classification: Likely benign for ABCA2-related condition. Last evaluated: 2019-04-04. Review status: no assertion criteria provided. Collection method: clinical testing. Allele origin: germline.
Comment: This variant is classified as likely benign based on ACMG/AMP sequence variant interpretation guidelines (Richards et al. 2015 PMID: 25741868, with internal and published modifications).